The following is an entry in ClinVar:

ClinVar aggregate classification (germline): Uncertain significance (1 of 4 stars; one submission).

Conditions:
Joubert syndrome. Also called: CEREBELLOPARENCHYMAL DISORDER IV; JOUBERT-BOLTSHAUSER SYNDROME; Familial aplasia of the vermis. Identifiers: Orphanet 475, MedGen C5979921, MONDO:0018772.
Meckel-Gruber syndrome. Also called: DYSENCEPHALIA SPLANCHNOCYSTICA; GRUBER SYNDROME; Dysencephalia splachnocystica. Identifiers: Orphanet 564, MedGen C0265215, MONDO:0018921.

gnomAD v4.1: 2 of 1,597,880 alleles (0.00013%); highest among the groups gnomAD compares: Non-Finnish European, 0.00017%; no homozygotes.

Submission:

Labcorp Genetics (formerly Invitae), Labcorp
Classification: Uncertain significance for Joubert syndrome; Meckel-Gruber syndrome. Last evaluated: 2025-04-17. Review status: criteria provided, single submitter. Criteria: Invitae Variant Classification Sherloc (09022015). Collection method: clinical testing. Allele origin: germline.
Comment: This sequence change replaces isoleucine, which is neutral and non-polar, with valine, which is neutral and non-polar, at codon 1008 of the RPGRIP1L protein (p.Ile1008Val). This variant is present in population databases (rs750665065, gnomAD 0.002%). This variant has not been reported in the literature in individuals affected with RPGRIP1L-related conditions. ClinVar contains an entry for this variant (Variation ID: 3762237). An algorithm developed to predict the effect of missense changes on protein structure and function outputs the following: PolyPhen-2: "Benign". The valine amino acid residue is found in multiple mammalian species, which suggests that this missense change does not adversely affect protein function. In summary, the available evidence is currently insufficient to determine the role of this variant in disease. Therefore, it has been classified as a Variant of Uncertain Significance.

NM_015272.5(RPGRIP1L):c.3022A>G (p.Ile1008Val)

Gene: RPGRIP1L (RPGRIP1 like; minus strand). Cytogenetic location: 16q12.2.
Variant type: single nucleotide variant.
Coding change: c.3022A>G on transcript NM_015272.5 (MANE Select); coding-DNA position 3022, A replaced by G.
Protein change: p.Ile1008Val; replaces isoleucine 1008 with valine.
Molecular consequence: missense variant. On other transcripts: intron variant (2).
Genome position (GRCh38, 1-based): chr16:53,638,348, T>C on the plus strand (A>G on the coding strand, the complement: RPGRIP1L is on the minus strand). VCF-style: chr16-53638348-T-C. GRCh37 (hg19) VCF-style: chr16-53672260-T-C.
Other names: c.3022A>G, p.Ile1008Val (NM_001308334.3); c.2959-494A>G (NM_001127897.4, NM_001330538.2); short protein forms I1008V.
Identifiers: ClinVar variation 3762237 (VCV003762237.2).